The following is an entry in ClinVar:

ClinVar aggregate classification (germline): Uncertain significance (1 of 4 stars; one submission).

Submission:

GeneDx
Classification: Uncertain significance. Last evaluated: 2026-01-27. Review status: criteria provided, single submitter. Criteria: GeneDx Variant Classification Process June 2021. Collection method: clinical testing. Allele origin: germline.
Comment: Not observed at significant frequency in large population cohorts (gnomAD); In silico analysis suggests that this missense variant does not alter protein structure/function; Has not been previously published as pathogenic or benign to our knowledge

NM_001348716.2(KDM6B):c.2426C>G (p.Ser809Cys)

Gene: KDM6B (lysine demethylase 6B; plus strand). Cytogenetic location: 17p13.1.
Variant type: single nucleotide variant.
Coding change: c.2426C>G on transcript NM_001348716.2 (MANE Select); coding-DNA position 2426, C replaced by G.
Protein change: p.Ser809Cys; replaces serine 809 with cysteine.
Molecular consequence: missense variant.
Genome position (GRCh38, 1-based): chr17:7,848,714, C>G. VCF-style: chr17-7848714-C-G. GRCh37 (hg19) VCF-style: chr17-7752032-C-G.
Other names: c.2426C>G, p.Ser809Cys (NM_001080424.2); short protein forms S809C.
Identifiers: ClinVar variation 4975738 (VCV004975738.1).